The following is an entry in ClinVar:

ClinVar aggregate classification (germline): Uncertain significance (1 of 4 stars; one submission).

Conditions:
Autosomal recessive severe congenital neutropenia due to CSF3R deficiency. Also called: Neutropenia, severe congenital, 7, autosomal recessive. Identifiers: Orphanet 420702, MedGen C4310764, MONDO:0014865, OMIM 617014.

Submission:

Labcorp Genetics (formerly Invitae), Labcorp
Classification: Uncertain significance for Autosomal recessive severe congenital neutropenia due to CSF3R deficiency. Last evaluated: 2024-10-24. Review status: criteria provided, single submitter. Criteria: Invitae Variant Classification Sherloc (09022015). Collection method: clinical testing. Allele origin: germline.
Comment: This sequence change replaces serine, which is neutral and polar, with glycine, which is neutral and non-polar, at codon 212 of the CSF3R protein (p.Ser212Gly). This variant is not present in population databases (gnomAD no frequency). This variant has not been reported in the literature in individuals affected with CSF3R-related conditions. ClinVar contains an entry for this variant (Variation ID: 2116033). Invitae Evidence Modeling of protein sequence and biophysical properties (such as structural, functional, and spatial information, amino acid conservation, physicochemical variation, residue mobility, and thermodynamic stability) indicates that this missense variant is expected to disrupt CSF3R protein function with a positive predictive value of 80%. In summary, the available evidence is currently insufficient to determine the role of this variant in disease. Therefore, it has been classified as a Variant of Uncertain Significance.

NM_000760.4(CSF3R):c.634A>G (p.Ser212Gly)

Gene: CSF3R (colony stimulating factor 3 receptor; minus strand). Cytogenetic location: 1p34.3.
Variant type: single nucleotide variant.
Coding change: c.634A>G on transcript NM_000760.4 (MANE Select); coding-DNA position 634, A replaced by G.
Protein change: p.Ser212Gly; replaces serine 212 with glycine.
Molecular consequence: missense variant.
Genome position (GRCh38, 1-based): chr1:36,473,474, T>C on the plus strand (A>G on the coding strand, the complement: CSF3R is on the minus strand). VCF-style: chr1-36473474-T-C. GRCh37 (hg19) VCF-style: chr1-36939075-T-C.
Other names: c.634A>G, p.Ser212Gly (NM_156039.3, NM_172313.3); short protein forms S212G.
Identifiers: ClinVar variation 2116033 (VCV002116033.4), dbSNP rs2521805260, ClinGen allele CA339423597.